The following is an entry in ClinVar:

ClinVar aggregate classification (germline): Benign/Likely benign. Review status: criteria provided, multiple submitters, no conflicts (2 of 4 stars). 13 submissions from 10 submitters: Benign (10); Likely benign (3). Last evaluated 2026-01-27.

Conditions:
Autosomal recessive limb-girdle muscular dystrophy type 2J (LGMDR10). Also called: Limb-girdle muscular dystrophy, type 2J; MUSCULAR DYSTROPHY, LIMB-GIRDLE, AUTOSOMAL RECESSIVE 10. Identifiers: Orphanet 140922, MedGen C1837342, MONDO:0012127, OMIM 608807.
Dilated cardiomyopathy 1G (CMD1G). Identifiers: Orphanet 154, MedGen C1858763, MONDO:0011400, OMIM 604145.
Myopathy, myofibrillar, 9, with early respiratory failure (MFM9). Also called: Hereditary myopathy with early respiratory failure; EDSTROM MYOPATHY; MYOPATHY, PROXIMAL, WITH EARLY RESPIRATORY MUSCLE INVOLVEMENT; Myopathy, distal, with early respiratory failure, autosomal dominant. Identifiers: Orphanet 178464, Orphanet 34521, MedGen C1863599, MONDO:0011362, OMIM 603689.
Early-onset myopathy with fatal cardiomyopathy (CMYO5). Also called: Salih Myopathy; CONGENITAL MYOPATHY 5 WITH CARDIOMYOPATHY. Identifiers: Orphanet 289377, MedGen C2673677, MONDO:0012714, OMIM 611705. Disease mechanism: loss of function.
Tibial muscular dystrophy (TMD). Also called: UDD MYOPATHY; Udd Distal Myopathy – Tibial Muscular Dystrophy; Tibial muscular dystrophy, tardive. Identifiers: Orphanet 609, MedGen C1838244, MONDO:0010870, OMIM 600334.

Allele frequency attached by ClinVar (database versions not stated): gnomAD exomes 0.00007 and 0.00025; ExAC 0.00031; gnomAD 0.00085 and 0.00088; TOPMed 0.00099; 1000 Genomes Project 0.00100; 1000 Genomes Project 30x 0.00125; ESP Exome Variant Server 0.00140.
gnomAD v4.1: 233 of 1,613,782 alleles (0.014%); highest among the groups gnomAD compares: African/African-American, 0.28%; no homozygotes.

Submissions (13):

Labcorp Genetics (formerly Invitae), Labcorp
Classification: Benign for Dilated cardiomyopathy 1G; Autosomal recessive limb-girdle muscular dystrophy type 2J. Last evaluated: 2026-01-27. Review status: criteria provided, single submitter. Criteria: Invitae Variant Classification Sherloc (09022015). Collection method: clinical testing. Allele origin: germline.

Molecular Diagnostic Laboratory for Inherited Cardiovascular Disease, Montreal Heart Institute
Classification: Benign. Last evaluated: 2025-04-09. Review status: criteria provided, single submitter. Criteria: ACMG Guidelines, 2015. Collection method: clinical testing. Allele origin: germline. Affected: no.

Women's Health and Genetics/Laboratory Corporation of America, LabCorp
Classification: Likely benign. Last evaluated: 2025-02-24. Review status: criteria provided, single submitter. Criteria: LabCorp Variant Classification Summary - May 2015. Collection method: clinical testing. Allele origin: germline.

Blueprint Genetics
Classification: Likely benign. Last evaluated: 2024-11-11. Review status: criteria provided, single submitter. Criteria: ACMG Guidelines, 2015. Collection method: clinical testing. Allele origin: germline.

Genome-Nilou Lab
Classification: Benign for Autosomal recessive limb-girdle muscular dystrophy type 2J. Last evaluated: 2021-09-10. Review status: criteria provided, single submitter. Criteria: ACMG Guidelines, 2015. Collection method: clinical testing. Allele origin: germline. Affected: no.

Genome-Nilou Lab
Classification: Benign for Myopathy, myofibrillar, 9, with early respiratory failure. Last evaluated: 2021-09-10. Review status: criteria provided, single submitter. Criteria: ACMG Guidelines, 2015. Collection method: clinical testing. Allele origin: germline. Affected: no.

Genome-Nilou Lab
Classification: Benign for Early-onset myopathy with fatal cardiomyopathy. Last evaluated: 2021-09-10. Review status: criteria provided, single submitter. Criteria: ACMG Guidelines, 2015. Collection method: clinical testing. Allele origin: germline. Affected: no.

Genome-Nilou Lab
Classification: Benign for Tibial muscular dystrophy. Last evaluated: 2021-09-10. Review status: criteria provided, single submitter. Criteria: ACMG Guidelines, 2015. Collection method: clinical testing. Allele origin: germline. Affected: no.

ARUP Laboratories, Molecular Genetics and Genomics, ARUP Laboratories
Classification: Benign. Last evaluated: 2021-07-10. Review status: criteria provided, single submitter. Criteria: ARUP Molecular Germline Variant Investigation Process 2021. Collection method: clinical testing. Allele origin: germline.

Athena Diagnostics
Classification: Benign. Last evaluated: 2016-10-28. Review status: criteria provided, single submitter. Criteria: Athena Diagnostics Criteria. Collection method: clinical testing. Allele origin: germline.

GeneDx
Classification: Benign. Last evaluated: 2016-04-13. Review status: criteria provided, single submitter. Criteria: GeneDx Variant Classification (06012015). Collection method: clinical testing. Allele origin: germline. Affected: yes.
Comment: This variant is considered likely benign or benign based on one or more of the following criteria: it is a conservative change, it occurs at a poorly conserved position in the protein, it is predicted to be benign by multiple in silico algorithms, and/or has population frequency not consistent with disease.

Eurofins Ntd Llc (ga)
Classification: Likely benign. Last evaluated: 2015-08-21. Review status: criteria provided, single submitter. Criteria: EGL Classification Definitions 2015. Collection method: clinical testing. Allele origin: germline. Observed: 2 variant alleles, 2 heterozygotes.

Laboratory for Molecular Medicine, Mass General Brigham Personalized Medicine
Classification: Benign. Last evaluated: 2012-01-24. Review status: criteria provided, single submitter. Criteria: LMM Criteria. Collection method: clinical testing. Allele origin: germline. Observed: 2 variant alleles.

NM_001267550.2(TTN):c.18531G>C (p.Val6177=)

Genes: TTN (titin; minus strand), LOC126806430 (BRD4-independent group 4 enhancer GRCh37_chr2:179593794-179594993; plus strand). Cytogenetic location: 2q31.2.
Variant type: single nucleotide variant.
Coding change: c.18531G>C on transcript NM_001267550.2 (MANE Select); coding-DNA position 18531, G replaced by C.
Protein change: p.Val6177=; no amino-acid change (valine 6177 retained).
Molecular consequence: synonymous variant. On other transcripts: intron variant (3).
Genome position (GRCh38, 1-based): chr2:178,729,722, C>G on the plus strand (G>C on the coding strand, the complement: TTN is on the minus strand). VCF-style: chr2-178729722-C-G. GRCh37 (hg19) VCF-style: chr2-179594449-C-G.
Other names: c.13282+8360G>C (NM_003319.4); c.13858+8360G>C (NM_133437.4); c.13657+8360G>C (NM_133432.3); c.17580G>C, p.Val5860= (NM_001256850.1); c.14799G>C, p.Val4933= (NM_133378.4).
Identifiers: ClinVar variation 46639 (VCV000046639.32), dbSNP rs370684491, ClinGen allele CA138824.